The following is an entry in ClinVar:

ClinVar aggregate classification (germline): Pathogenic. Review status: criteria provided, multiple submitters, no conflicts (2 of 4 stars). 2 submissions from 2 submitters: Pathogenic (2). Last evaluated 2024-05-28.

Conditions:
Hereditary cancer-predisposing syndrome. Also called: Tumor predisposition; Hereditary Cancer Syndrome; Neoplastic Syndromes, Hereditary; Hereditary neoplastic syndrome. Identifiers: Orphanet 140162, MedGen C0027672, MeSH D009386, MONDO:0015356.
Lynch syndrome 5 (LYNCH5). Also called: Colorectal cancer, hereditary nonpolyposis, type 5; Hereditary non-polyposis colorectal cancer, type 5. Identifiers: Orphanet 144, MedGen C1833477, MONDO:0013710, OMIM 614350. Disease mechanism: loss of function.

Submissions (2):

Ambry Genetics
Classification: Pathogenic for Hereditary cancer-predisposing syndrome. Last evaluated: 2024-05-28. Review status: criteria provided, single submitter. Criteria: Ambry Variant Classification Scheme 2023. Collection method: clinical testing. Allele origin: germline.
Comment: The c.2845_2846delCA pathogenic mutation, located in coding exon 4 of the MSH6 gene, results from a deletion of two nucleotides at nucleotide positions 2845 to 2846, causing a translational frameshift with a predicted alternate stop codon (p.Q949Efs*16). This alteration is expected to result in loss of function by premature protein truncation or nonsense-mediated mRNA decay. As such, this alteration is interpreted as a disease-causing mutation.

Myriad Genetics, Inc.
Classification: Pathogenic for Lynch syndrome 5. Last evaluated: 2023-08-21. Review status: criteria provided, single submitter. Criteria: Myriad Autosomal Dominant, Autosomal Recessive and X-Linked Classification Criteria (2023). Collection method: clinical testing. Allele origin: unknown.
Comment: This variant is considered pathogenic. This variant creates a frameshift predicted to result in premature protein truncation.

NM_000179.3(MSH6):c.2845_2846del (p.Gln949fs)

Gene: MSH6 (mutS homolog 6; plus strand). Cytogenetic location: 2p16.3.
Variant type: Deletion.
Coding change: c.2845_2846del on transcript NM_000179.3 (MANE Select); coding-DNA positions 2845 to 2846, 2 bases deleted (CA; older notation c.2845_2846delCA).
Protein change: p.Gln949fs; shifts the reading frame from glutamine 949.
Molecular consequence: frameshift variant.
Genome position (GRCh38, 1-based): chr2:47,800,828-47,800,829, CA deleted; deleting any 2 consecutive bases within chr2:47,800,827-47,800,829 gives the same sequence; the c. name uses the placement nearest the transcript's 3' end. VCF-style (leftmost placement, unchanged base first): chr2-47800826-AAC-A. GRCh37 (hg19) VCF-style: chr2-48027965-AAC-A.
Other names: c.2455_2456del, p.Gln819fs (NM_001281492.2); c.1939_1940del, p.Gln647fs (NM_001281493.2, NM_001281494.2); short protein forms Q647fs, Q949fs, Q819fs.
Identifiers: ClinVar variation 821883 (VCV000821883.6), dbSNP rs1572728922, ClinGen allele CA915943935.